The following is an entry in ClinVar:

NM_001286611.2(REPS1):c.1831A>G (p.Ile611Val)

Gene: REPS1 (RALBP1 associated Eps domain containing 1; minus strand). Cytogenetic location: 6q24.1.
Variant type: single nucleotide variant.
Coding change: c.1831A>G on transcript NM_001286611.2 (MANE Select); coding-DNA position 1831, A replaced by G.
Protein change: p.Ile611Val; replaces isoleucine 611 with valine.
Molecular consequence: missense variant.
Genome position (GRCh38, 1-based): chr6:138,912,905, T>C on the plus strand (A>G on the coding strand, the complement: REPS1 is on the minus strand). VCF-style: chr6-138912905-T-C. GRCh37 (hg19) VCF-style: chr6-139234042-T-C.
Other names: c.1828A>G (NM_031922.3); c.1750A>G, p.Ile584Val (NM_001128617.3); c.1558A>G, p.Ile520Val (NM_001286612.2); c.1828A>G, p.Ile610Val (NM_031922.5); short protein forms I610V, I584V, I611V, I520V.
Identifiers: ClinVar variation 1417775 (VCV001417775.7), dbSNP rs202229416, ClinGen allele CA4024032.

ClinVar aggregate classification (germline): Uncertain significance. Review status: criteria provided, multiple submitters, no conflicts (2 of 4 stars). 2 submissions from 2 submitters: Uncertain significance (2). Last evaluated 2026-01-19.

Allele frequency attached by ClinVar (database versions not stated): gnomAD 0.00008 and 0.00009; gnomAD exomes 0.00010 and 0.00012; ExAC 0.00014; TOPMed 0.00014; 1000 Genomes Project 0.00060; 1000 Genomes Project 30x 0.00062.
gnomAD v4.1: 156 of 1,614,118 alleles (0.0097%); highest among the groups gnomAD compares: Admixed American, 0.018%; no homozygotes.

Submissions (2):

Labcorp Genetics (formerly Invitae), Labcorp
Classification: Uncertain significance. Last evaluated: 2026-01-19. Review status: criteria provided, single submitter. Criteria: Invitae Variant Classification Sherloc (09022015). Collection method: clinical testing. Allele origin: germline.
Comment: This sequence change replaces isoleucine, which is neutral and non-polar, with valine, which is neutral and non-polar, at codon 611 of the REPS1 protein (p.Ile611Val). This variant is present in population databases (rs202229416, gnomAD 0.03%). This variant has not been reported in the literature in individuals affected with REPS1-related conditions. ClinVar contains an entry for this variant (Variation ID: 1417775). Invitae Evidence Modeling of protein sequence and biophysical properties (such as structural, functional, and spatial information, amino acid conservation, physicochemical variation, residue mobility, and thermodynamic stability) indicates that this missense variant is not expected to disrupt REPS1 protein function with a negative predictive value of 80%. In summary, the available evidence is currently insufficient to determine the role of this variant in disease. Therefore, it has been classified as a Variant of Uncertain Significance.

Ambry Genetics
Classification: Uncertain significance. Last evaluated: 2025-08-25. Review status: criteria provided, single submitter. Criteria: Ambry Variant Classification Scheme 2023. Collection method: clinical testing. Allele origin: germline.